The following is an entry in ClinVar:

ClinVar aggregate classification (germline): Likely pathogenic (1 of 4 stars; one submission).

Submission:

GeneDx
Classification: Likely pathogenic. Last evaluated: 2024-07-01. Review status: criteria provided, single submitter. Criteria: GeneDx Variant Classification Process June 2021. Collection method: clinical testing. Allele origin: germline. Affected: yes.
Comment: Nonsense variant predicted to result in protein truncation or nonsense mediated decay in a gene for which loss of function is a known mechanism of disease; Not observed at significant frequency in large population cohorts (gnomAD); Has not been previously published as pathogenic or benign to our knowledge

NM_144672.4(OTOA):c.1725_1726del (p.His575_Ile576insTer)

Gene: OTOA (otoancorin). Cytogenetic location: 16p12.2.
Variant type: Microsatellite.
Coding change: c.1725_1726del on transcript NM_144672.4 (MANE Select); coding-DNA positions 1725 to 1726, 2 bases deleted.
Protein change: p.His575_Ile576insTer.
Molecular consequence: frameshift variant.
Genome position: GRCh38 VCF-style: chr16-21719418-TCA-T. GRCh37 (hg19) VCF-style: chr16-21730739-TCA-T.
Other names: c.1488_1489del, p.His496_Ile497insTer (NM_001161683.2); c.753_754del, p.His251_Ile252insTer (NM_170664.3).
Identifiers: ClinVar variation 3252315 (VCV003252315.1), dbSNP rs1349510820.
Genomic context (GRCh38, chr16:21,719,418, plus strand): 5'-TCTCCCGAGTGCCTTGTTTTGTTTTCTAGTGCTGGGCAGCTGGTCAAAGGCGTGACCTGC[TCA>T]CACATTGATGCCATGAGCACTGACTTCTTTCTGGCCCATTTCCAGGATTTTCAGAACAAC-3'